The following is an entry in ClinVar:

NM_003664.5(AP3B1):c.2661C>A (p.Phe887Leu)

Gene: AP3B1 (adaptor related protein complex 3 subunit beta 1; minus strand). Cytogenetic location: 5q14.1.
Variant type: single nucleotide variant.
Coding change: c.2661C>A on transcript NM_003664.5 (MANE Select); coding-DNA position 2661, C replaced by A.
Protein change: p.Phe887Leu; replaces phenylalanine 887 with leucine.
Molecular consequence: missense variant.
Genome position (GRCh38, 1-based): chr5:78,039,191, G>T on the plus strand (C>A on the coding strand, the complement: AP3B1 is on the minus strand). VCF-style: chr5-78039191-G-T. GRCh37 (hg19) VCF-style: chr5-77335015-G-T.
Other names: c.2514C>A, p.Phe838Leu (NM_001271769.2); short protein forms F887L, F838L.
Identifiers: ClinVar variation 210189 (VCV000210189.60), dbSNP rs139344924, ClinGen allele CA209599.
Genomic context (GRCh38, chr5:78,039,191, plus strand): 5'-ATTCAGTGTTATTTGTATAGAGACCATCTTATCACCAAAAATGCAAGGCTGTCTTGGAAA[G>T]AAATAATGGGCAGCTAGTCCTTTTCCACTCATTCGATGAAGCAGCACGTGAGTTTTCGTT-3'
Protein context (NP_003655.3, residues 877-897): MSGKGLAAHY[Phe887Leu]FPRQPCIFGD

ClinVar aggregate classification (germline): Benign/Likely benign. Review status: criteria provided, multiple submitters, no conflicts (2 of 4 stars). 10 submissions from 10 submitters: Benign (6); Likely benign (2). 2 of the submissions do not count toward it. Last evaluated 2026-07-01.

Conditions:
Autoinflammatory syndrome. Identifiers: Orphanet 93665, MedGen C3890737, MONDO:0019751.
Hermansky-Pudlak syndrome 2 (HPS2). Also called: Platelet defects and oculocutaneous albinism. Identifiers: Orphanet 183678, Orphanet 79430, MedGen C1842362, MONDO:0011997, OMIM 608233.

Allele frequency attached by ClinVar (database versions not stated): gnomAD exomes 0.01043 and 0.00774; TOPMed 0.00636; 1000 Genomes Project 0.00659; gnomAD 0.00669 and 0.00698; 1000 Genomes Project 30x 0.00671; ExAC 0.00784; ESP Exome Variant Server 0.00815.
gnomAD v4.1: 16,432 of 1,614,086 alleles (1%); highest among the groups gnomAD compares: South Asian, 1.3%; 110 homozygotes.

Submissions (10):

CeGaT Center for Human Genetics Tuebingen
Classification: Benign. Last evaluated: 2026-07-01. Review status: criteria provided, single submitter. Criteria: CeGaT Center For Human Genetics Tuebingen Variant Classification Criteria Version 2. Collection method: clinical testing. Allele origin: germline. Affected: yes. Observed: 18 variant alleles.
Comment: AP3B1: BP4, BS1, BS2

Labcorp Genetics (formerly Invitae), Labcorp
Classification: Benign for Hermansky-Pudlak syndrome 2. Last evaluated: 2026-02-01. Review status: criteria provided, single submitter. Criteria: Invitae Variant Classification Sherloc (09022015). Collection method: clinical testing. Allele origin: germline.

Blueprint Genetics
Classification: Likely benign. Last evaluated: 2024-11-26. Review status: criteria provided, single submitter. Criteria: ACMG Guidelines, 2015. Collection method: clinical testing. Allele origin: germline.

Mayo Clinic Laboratories, Mayo Clinic
Classification: Benign. Last evaluated: 2024-05-01. Review status: criteria provided, single submitter. Criteria: ACMG Guidelines, 2015. Collection method: clinical testing. Allele origin: germline. Observed: 24 variant alleles.
Comment: BS1, BS2

Genome Diagnostics Laboratory, The Hospital for Sick Children
Classification: Benign for Autoinflammatory syndrome. Last evaluated: 2021-02-05. Review status: criteria provided, single submitter. Criteria: ACMG Guidelines, 2015. Collection method: clinical testing. Allele origin: germline. Affected: yes.

Johns Hopkins Genomics, Johns Hopkins University
Classification: Benign for Hermansky-Pudlak syndrome 2. Last evaluated: 2019-03-20. Review status: criteria provided, single submitter. Criteria: ACMG Guidelines, 2015. Collection method: clinical testing. Allele origin: germline.

Genetic Services Laboratory, University of Chicago
Classification: Likely benign. Last evaluated: 2015-07-28. Review status: criteria provided, single submitter. Criteria: ACMG Guidelines, 2015. Collection method: clinical testing. Allele origin: germline.

Laboratory for Molecular Medicine, Mass General Brigham Personalized Medicine
Classification: Benign. Last evaluated: 2013-02-21. Review status: criteria provided, single submitter. Criteria: LMM Criteria. Collection method: clinical testing. Allele origin: germline. Observed: 1 variant allele.
Comment: Phe887Leu in exon 23 of AP3B1: This variant is not expected to have clinical sig nificance because it has been identified in 1.2% (99/8600) of European American chromosomes from a broad population by the NHLBI Exome Sequencing Project (dbSNP rs139344924).

Diagnostic Laboratory, Department of Genetics, University Medical Center Groningen
Classification: Likely benign. Review status: no assertion criteria provided. Collection method: clinical testing. Allele origin: germline. Affected: yes. Study: VKGL Data-share Consensus. Not counted in ClinVar's aggregate classification.

Genome Diagnostics Laboratory, University Medical Center Utrecht
Classification: Benign. Review status: no assertion criteria provided. Collection method: clinical testing. Allele origin: germline. Affected: yes. Study: VKGL Data-share Consensus. Not counted in ClinVar's aggregate classification.